The following is an entry in ClinVar:

NM_001378477.3(NYX):c.120G>C (p.Ser40=)

Gene: NYX (nyctalopin; plus strand). Cytogenetic location: Xp11.4.
Variant type: single nucleotide variant.
Coding change: c.120G>C on transcript NM_001378477.3 (MANE Select); coding-DNA position 120, G replaced by C.
Protein change: p.Ser40=; no amino-acid change (serine 40 retained).
Molecular consequence: synonymous variant.
Genome position (GRCh38, 1-based): chrX:41,473,588, G>C. VCF-style: chrX-41473588-G-C. GRCh37 (hg19) VCF-style: chrX-41332841-G-C.
Other names: c.120G>C, p.Ser40= (NM_022567.3); c.135G>C (NM_022567.2).
Identifiers: ClinVar variation 1573184 (VCV001573184.11), dbSNP rs1367991083, ClinGen allele CA516365630.

ClinVar aggregate classification (germline): Likely benign. Review status: criteria provided, multiple submitters, no conflicts (2 of 4 stars). 3 submissions from 3 submitters: Likely benign (2). 1 of the submissions does not count toward it. Last evaluated 2025-10-03.

Conditions:
NYX-related disorder. Also called: NYX-related condition.

Allele frequency attached by ClinVar (database versions not stated): TOPMed below 0.00001.
gnomAD v4.1: 16 of 1,012,393 alleles (0.0016%); highest among the groups gnomAD compares: Middle Eastern, 0.086%; no homozygotes.

Submissions (3):

Labcorp Genetics (formerly Invitae), Labcorp
Classification: Likely benign. Last evaluated: 2025-10-03. Review status: criteria provided, single submitter. Criteria: Invitae Variant Classification Sherloc (09022015). Collection method: clinical testing. Allele origin: germline.

Blueprint Genetics
Classification: Likely benign. Last evaluated: 2024-07-09. Review status: criteria provided, single submitter. Criteria: ACMG Guidelines, 2015. Collection method: clinical testing. Allele origin: germline.

PreventionGenetics, part of Exact Sciences
Classification: Likely benign for NYX-related condition. Last evaluated: 2019-07-12. Review status: no assertion criteria provided. Collection method: clinical testing. Allele origin: germline. Not counted in ClinVar's aggregate classification.
Comment: This variant is classified as likely benign based on ACMG/AMP sequence variant interpretation guidelines (Richards et al. 2015 PMID: 25741868, with internal and published modifications).